The following is an entry in ClinVar:

NM_001148.6(ANK2):c.5972G>A (p.Arg1991Gln)

Genes: ANK2 (ankyrin 2; plus strand), LOC126807136 (MED14-independent group 3 enhancer GRCh37_chr4:114274931-114276130; plus strand). Cytogenetic location: 4q26.
Variant type: single nucleotide variant.
Coding change: c.5972G>A on transcript NM_001148.6 (MANE Select); coding-DNA position 5972, G replaced by A.
Protein change: p.Arg1991Gln; replaces arginine 1991 with glutamine.
Molecular consequence: missense variant. On other transcripts: intron variant (68).
Genome position (GRCh38, 1-based): chr4:113,354,590, G>A. VCF-style: chr4-113354590-G-A. GRCh37 (hg19) VCF-style: chr4-114275746-G-A.
Other names: c.5738G>A, p.Arg1913Gln (NM_001386142.1); c.2372G>A, p.Arg791Gln (NM_001386166.1); c.6113G>A, p.Arg2038Gln (NM_001386174.1); c.6089G>A, p.Arg2030Gln (NM_001386175.1); c.4411+4341G>A (NM_001386186.2, NM_001386148.2); c.4213+4341G>A (NM_001354269.3); c.4291+4341G>A (NM_001386187.2); c.4252+4341G>A (NM_001386147.1); and 35 more; short protein forms R2030Q, R2038Q, R791Q, R1913Q, R1991Q.
Identifiers: ClinVar variation 1444755 (VCV001444755.10), dbSNP rs755548985, ClinGen allele CA3051335.

ClinVar aggregate classification (germline): Conflicting classifications of pathogenicity. Review status: criteria provided, conflicting classifications (1 of 4 stars). 2 submissions from 2 submitters: Uncertain significance (1); Likely benign (1). Last evaluated 2020-12-25.

Conditions:
Cardiovascular phenotype. Identifiers: MedGen CN230736.
Long QT syndrome (LQTS). Identifiers: MedGen C0023976, MeSH D008133, MONDO:0002442. Disease mechanism: loss of function. Inheritance: Various modes of inheritance.

Allele frequency attached by ClinVar (database versions not stated): ExAC 0.00001.
gnomAD v4.1: 14 of 1,613,854 alleles (0.00087%); highest among the groups gnomAD compares: East Asian, 0.011%; no homozygotes.

Submissions (2):

Labcorp Genetics (formerly Invitae), Labcorp
Classification: Uncertain significance for Long QT syndrome. Last evaluated: 2020-12-25. Review status: criteria provided, single submitter. Criteria: Invitae Variant Classification Sherloc (09022015). Collection method: clinical testing. Allele origin: germline.
Comment: In summary, the available evidence is currently insufficient to determine the role of this variant in disease. Therefore, it has been classified as a Variant of Uncertain Significance. Algorithms developed to predict the effect of sequence changes on RNA splicing suggest that this variant may create or strengthen a splice site, but this prediction has not been confirmed by published transcriptional studies. Algorithms developed to predict the effect of missense changes on protein structure and function are either unavailable or do not agree on the potential impact of this missense change (SIFT: "Tolerated"; PolyPhen-2: "Probably Damaging"; Align-GVGD: "Class C0"). This variant has not been reported in the literature in individuals with ANK2-related conditions. This variant is present in population databases (rs755548985, ExAC 0.01%). This sequence change replaces arginine with glutamine at codon 1991 of the ANK2 protein (p.Arg1991Gln). The arginine residue is moderately conserved and there is a small physicochemical difference between arginine and glutamine.

Ambry Genetics
Classification: Likely benign for Cardiovascular phenotype. Last evaluated: 2019-07-15. Review status: criteria provided, single submitter. Criteria: Ambry Variant Classification Scheme 2023. Collection method: clinical testing. Allele origin: germline.